The following is an entry in ClinVar:

ClinVar aggregate classification (germline): Pathogenic. Review status: criteria provided, multiple submitters, no conflicts (2 of 4 stars). 2 submissions from 2 submitters: Pathogenic (2). Last evaluated 2024-08-14.

Conditions:
Arrhythmogenic cardiomyopathy with wooly hair and keratoderma. Also called: PALMOPLANTAR KERATODERMA WITH LEFT VENTRICULAR CARDIOMYOPATHY AND WOOLLY HAIR; Arrhythmogenic cardiomyopathy with woolly hair and keratoderma; Dilated cardiomyopathy with woolly hair and keratoderma; Carvajal syndrome. Identifiers: Orphanet 65282, MedGen C1854063, MONDO:0011581, OMIM 605676.
Arrhythmogenic right ventricular dysplasia 8 (ARVD8). Also called: Arrhythmogenic Right Ventricular Dysplasia/Cardiomyopathy 8; ARRHYTHMOGENIC RIGHT VENTRICULAR DYSPLASIA, FAMILIAL, 8; ARRHYTHMOGENIC RIGHT VENTRICULAR CARDIOMYOPATHY 8. Identifiers: MedGen C1843896, MONDO:0011831, OMIM 607450.

Submissions (2):

3billion
Classification: Pathogenic for Arrhythmogenic right ventricular dysplasia 8. Last evaluated: 2024-08-14. Review status: criteria provided, single submitter. Criteria: ACMG Guidelines, 2015. Collection method: clinical testing. Allele origin: germline. Affected: yes.
Comment: The variant is not observed in the gnomAD v4.0.0 dataset. Predicted Consequence/Location: Stop-gained (nonsense): predicted to result in a loss or disruption of normal protein function through nonsense-mediated decay (NMD) or protein truncation. Multiple pathogenic variants are reported downstream of the variant. The variant has been reported to be associated with DSP related disorder (ClinVar ID: VCV001379682 /PMID: 34287473). Therefore, this variant is classified as Pathogenic according to the recommendation of ACMG/AMP guideline.

Labcorp Genetics (formerly Invitae), Labcorp
Classification: Pathogenic for Arrhythmogenic cardiomyopathy with wooly hair and keratoderma; Arrhythmogenic right ventricular dysplasia 8. Last evaluated: 2024-02-24. Review status: criteria provided, single submitter. Criteria: Invitae Variant Classification Sherloc (09022015). Collection method: clinical testing. Allele origin: germline.
Comment: This sequence change creates a premature translational stop signal (p.Trp360*) in the DSP gene. It is expected to result in an absent or disrupted protein product. Loss-of-function variants in DSP are known to be pathogenic (PMID: 20716751, 24503780, 25227139). This variant is not present in population databases (gnomAD no frequency). This variant has not been reported in the literature in individuals affected with DSP-related conditions. ClinVar contains an entry for this variant (Variation ID: 1379682). For these reasons, this variant has been classified as Pathogenic.

Literature cited by the submitters: PubMed 34287473 (cited by 3billion); PubMed 20716751 (cited by Labcorp Genetics (formerly Invitae), Labcorp); PubMed 24503780 (cited by Labcorp Genetics (formerly Invitae), Labcorp); PubMed 25227139 (cited by Labcorp Genetics (formerly Invitae), Labcorp).

NM_004415.4(DSP):c.1080G>A (p.Trp360Ter)

Gene: DSP (desmoplakin; plus strand). Cytogenetic location: 6p24.3.
Variant type: single nucleotide variant.
Coding change: c.1080G>A on transcript NM_004415.4 (MANE Select); coding-DNA position 1080, G replaced by A.
Protein change: p.Trp360Ter; replaces tryptophan 360 with a stop codon.
Molecular consequence: nonsense.
Genome position (GRCh38, 1-based): chr6:7,567,389, G>A. VCF-style: chr6-7567389-G-A. GRCh37 (hg19) VCF-style: chr6-7567622-G-A.
Other names: c.1080G>A, p.Trp360Ter (NM_001008844.3, NM_001319034.2); short protein forms W360*.
Identifiers: ClinVar variation 1379682 (VCV001379682.7), dbSNP rs2113672480, ClinGen allele CA362675595.